The following is an entry in ClinVar:

NM_000222.3(KIT):c.676G>A (p.Gly226Arg)

Gene: KIT (KIT proto-oncogene, receptor tyrosine kinase; plus strand). Cytogenetic location: 4q12.
Variant type: single nucleotide variant.
Coding change: c.676G>A on transcript NM_000222.3 (MANE Select); coding-DNA position 676, G replaced by A.
Protein change: p.Gly226Arg; replaces glycine 226 with arginine.
Molecular consequence: missense variant.
Genome position (GRCh38, 1-based): chr4:54,699,686, G>A. VCF-style: chr4-54699686-G-A. GRCh37 (hg19) VCF-style: chr4-55565852-G-A.
Other names: c.676G>A, p.Gly226Arg (NM_001093772.2, NM_001385284.1, NM_001385285.1 and 4 more transcripts); short protein forms G226R.
Identifiers: ClinVar variation 4645000 (VCV004645000.1).
Genomic context (GRCh38, chr4:54,699,686, plus strand): 5'-CTAGCCTTCAAAGCTGTGCCTGTTGTGTCTGTGTCCAAAGCAAGCTATCTTCTTAGGGAA[G>A]GGGAAGAATTCACAGTGACGTGCACAATAAAAGATGTGTCTAGTTCTGTGTACTCAACGT-3'
Protein context (NP_000213.1, residues 216-236): VSKASYLLRE[Gly226Arg]EEFTVTCTIK

ClinVar aggregate classification (germline): Uncertain significance (1 of 4 stars; one submission).

Conditions:
Hereditary cancer-predisposing syndrome. Also called: Neoplastic Syndromes, Hereditary; Tumor predisposition; Hereditary Cancer Syndrome; Hereditary neoplastic syndrome. Identifiers: Orphanet 140162, MedGen C0027672, MeSH D009386, MONDO:0015356.

gnomAD v4.1: 1 of 1,613,934 alleles (0.000062%); highest among the groups gnomAD compares: Non-Finnish European, 0.000085%; no homozygotes.

Submission:

Ambry Genetics
Classification: Uncertain significance for Hereditary cancer-predisposing syndrome. Last evaluated: 2025-09-22. Review status: criteria provided, single submitter. Criteria: Ambry Variant Classification Scheme 2023. Collection method: clinical testing. Allele origin: germline.
Comment: The p.G226R variant (also known as c.676G>A), located in coding exon 4 of the KIT gene, results from a G to A substitution at nucleotide position 676. The glycine at codon 226 is replaced by arginine, an amino acid with dissimilar properties. This amino acid position is conserved. In addition, the in silico prediction for this alteration is inconclusive. Based on the available evidence, the clinical significance of this variant remains unclear.